The following is an entry in ClinVar:

NM_000535.7(PMS2):c.1073C>G (p.Ser358Cys)

Gene: PMS2 (PMS1 homolog 2, mismatch repair system component; minus strand). Cytogenetic location: 7p22.1.
Variant type: single nucleotide variant.
Coding change: c.1073C>G on transcript NM_000535.7 (MANE Select); coding-DNA position 1073, C replaced by G.
Protein change: p.Ser358Cys; replaces serine 358 with cysteine.
Molecular consequence: missense variant. On other transcripts: non-coding transcript variant (1), intron variant (2).
Genome position (GRCh38, 1-based): chr7:5,989,871, G>C on the plus strand (C>G on the coding strand, the complement: PMS2 is on the minus strand). VCF-style: chr7-5989871-G-C. GRCh37 (hg19) VCF-style: chr7-6029502-G-C.
Other names: c.668C>G, p.Ser223Cys (NM_001322003.2, NM_001322004.2, NM_001322005.2 and 1 more transcripts); c.755C>G, p.Ser252Cys (NM_001322007.2, NM_001322008.2); c.140C>G, p.Ser47Cys (NM_001322011.2, NM_001322012.2); c.500C>G, p.Ser167Cys (NM_001322013.2); c.1073C>G, p.Ser358Cys (NM_001322014.2); c.764C>G, p.Ser255Cys (NM_001322015.2); c.583+2102C>G (NM_001322010.2); c.988+2102C>G (NM_001322006.2); short protein forms S358C, S223C, S252C, S47C, S167C, S255C.
Identifiers: ClinVar variation 581466 (VCV000581466.10), dbSNP rs762299041, ClinGen allele CA041840.
Genomic context (GRCh38, chr7:5,989,871, plus strand): 5'-AGCAGTGGCTGCTGACTGACATTTAGCTTGTTGACATCACTATCAAACATTCCTATCAAA[G>C]AGGTCTTTAAAACTGCCAACAAAAGCTTTTCCTCTTGTAGCAAAATTTGCCTTTTATCTG-3'
Protein context (NP_000526.2, residues 348-368): EKLLLAVLKT[Ser358Cys]LIGMFDSDVN

ClinVar aggregate classification (germline): Uncertain significance. Review status: criteria provided, multiple submitters, no conflicts (2 of 4 stars). 3 submissions from 3 submitters: Uncertain significance (3). Last evaluated 2024-11-08.

Conditions:
Hereditary nonpolyposis colorectal neoplasms. Identifiers: MedGen C0009405, MeSH D003123.
Hereditary cancer-predisposing syndrome. Also called: Neoplastic Syndromes, Hereditary; Tumor predisposition; Hereditary neoplastic syndrome; Hereditary Cancer Syndrome. Identifiers: Orphanet 140162, MedGen C0027672, MeSH D009386, MONDO:0015356.

Allele frequency attached by ClinVar (database versions not stated): gnomAD exomes below 0.00001; ExAC 0.00001.
gnomAD v4.1: 2 of 1,612,432 alleles (0.00012%); highest among the groups gnomAD compares: Non-Finnish European, 0.00017%; no homozygotes.

Submissions (3):

Ambry Genetics
Classification: Uncertain significance for Hereditary cancer-predisposing syndrome. Last evaluated: 2024-11-08. Review status: criteria provided, single submitter. Criteria: Ambry Variant Classification Scheme 2023. Collection method: clinical testing. Allele origin: germline.
Comment: The p.S358C variant (also known as c.1073C>G), located in coding exon 10 of the PMS2 gene, results from a C to G substitution at nucleotide position 1073. The serine at codon 358 is replaced by cysteine, an amino acid with dissimilar properties. This amino acid position is highly conserved in available vertebrate species. In addition, this alteration is predicted to be deleterious by in silico analysis. Based on the available evidence, the clinical significance of this variant remains unclear.

Color Diagnostics, LLC DBA Color Health
Classification: Uncertain significance for Hereditary cancer-predisposing syndrome. Last evaluated: 2021-09-07. Review status: criteria provided, single submitter. Criteria: ACMG Guidelines, 2015. Collection method: clinical testing. Allele origin: germline.
Comment: This missense variant replaces serine with cysteine at codon 358 of the PMS2 protein. Computational prediction suggests that this variant may have deleterious impact on protein structure and function (internally defined REVEL score threshold >= 0.7, PMID: 27666373). To our knowledge, functional studies have not been reported for this variant. This variant has not been reported in individuals affected with hereditary cancer in the literature. This variant has been identified in 1/251224 chromosomes in the general population by the Genome Aggregation Database (gnomAD). The available evidence is insufficient to determine the role of this variant in disease conclusively. Therefore, this variant is classified as a Variant of Uncertain Significance.

Labcorp Genetics (formerly Invitae), Labcorp
Classification: Uncertain significance for Hereditary nonpolyposis colorectal neoplasms. Last evaluated: 2021-07-15. Review status: criteria provided, single submitter. Criteria: Invitae Variant Classification Sherloc (09022015). Collection method: clinical testing. Allele origin: germline.
Comment: This sequence change replaces serine with cysteine at codon 358 of the PMS2 protein (p.Ser358Cys). The serine residue is highly conserved and there is a moderate physicochemical difference between serine and cysteine. This variant is present in population databases (rs762299041, ExAC 0.001%). This variant has not been reported in the literature in individuals with PMS2-related disease. Algorithms developed to predict the effect of missense changes on protein structure and function (SIFT, PolyPhen-2, Align-GVGD) all suggest that this variant is likely to be disruptive, but these predictions have not been confirmed by published functional studies and their clinical significance is uncertain. In summary, the available evidence is currently insufficient to determine the role of this variant in disease. Therefore, it has been classified as a Variant of Uncertain Significance.